The following is an entry in ClinVar:

ClinVar aggregate classification (germline): Uncertain significance (1 of 4 stars; one submission).

Conditions:
Fanconi anemia (FA). Also called: Fanconi's anemia. Identifiers: Orphanet 84, MedGen C0015625, MeSH D005199, MONDO:0019391.

Allele frequency attached by ClinVar (database versions not stated): gnomAD exomes 0.00001.
gnomAD v4.1: 5 of 1,613,598 alleles (0.00031%); highest among the groups gnomAD compares: Middle Eastern, 0.017%; no homozygotes.

Submission:

Labcorp Genetics (formerly Invitae), Labcorp
Classification: Uncertain significance for Fanconi anemia. Last evaluated: 2023-10-22. Review status: criteria provided, single submitter. Criteria: Invitae Variant Classification Sherloc (09022015). Collection method: clinical testing. Allele origin: germline.
Comment: This sequence change replaces serine, which is neutral and polar, with threonine, which is neutral and polar, at codon 1287 of the FANCD2 protein (p.Ser1287Thr). This variant is present in population databases (no rsID available, gnomAD no frequency). This variant has not been reported in the literature in individuals affected with FANCD2-related conditions. ClinVar contains an entry for this variant (Variation ID: 2166371). Advanced modeling of protein sequence and biophysical properties (such as structural, functional, and spatial information, amino acid conservation, physicochemical variation, residue mobility, and thermodynamic stability) performed at Invitae indicates that this missense variant is not expected to disrupt FANCD2 protein function. In summary, the available evidence is currently insufficient to determine the role of this variant in disease. Therefore, it has been classified as a Variant of Uncertain Significance.

NM_001018115.3(FANCD2):c.3860G>C (p.Ser1287Thr)

Genes: FANCD2 (FA complementation group D2; plus strand), FANCD2OS (FANCD2 opposite strand; minus strand). Cytogenetic location: 3p25.3.
Variant type: single nucleotide variant.
Coding change: c.3860G>C on transcript NM_001018115.3 (MANE Select); coding-DNA position 3860, G replaced by C.
Protein change: p.Ser1287Thr; replaces serine 1287 with threonine.
Molecular consequence: missense variant. On other transcripts: intron variant (2).
Genome position (GRCh38, 1-based): chr3:10,093,295, G>C. VCF-style: chr3-10093295-G-C. GRCh37 (hg19) VCF-style: chr3-10134979-G-C.
Other names: c.3860G>C, p.Ser1287Thr (NM_033084.6, NM_001319984.2); c.3850-994G>C (NM_001374254.1); c.*43+10903C>G (NM_173472.2); c.3749G>C, p.Ser1250Thr (NM_001374253.1); short protein forms S1250T, S1287T.
Identifiers: ClinVar variation 2166371 (VCV002166371.3), dbSNP rs1206331515, ClinGen allele CA351756293.